The following is an entry in ClinVar:

NM_001267550.2(TTN):c.55982C>A (p.Ala18661Asp)

Genes: TTN (titin; minus strand), TTN-AS1 (TTN antisense RNA 1; plus strand). Cytogenetic location: 2q31.2.
Variant type: single nucleotide variant.
Coding change: c.55982C>A on transcript NM_001267550.2 (MANE Select); coding-DNA position 55982, C replaced by A.
Protein change: p.Ala18661Asp; replaces alanine 18661 with aspartic acid.
Molecular consequence: missense variant.
Genome position (GRCh38, 1-based): chr2:178,600,922, G>T on the plus strand (C>A on the coding strand, the complement: TTN is on the minus strand). VCF-style: chr2-178600922-G-T. GRCh37 (hg19) VCF-style: chr2-179465649-G-T.
Other names: c.51059C>A, p.Ala17020Asp (NM_001256850.1); c.28787C>A, p.Ala9596Asp (NM_003319.4); c.48278C>A, p.Ala16093Asp (NM_133378.4); c.29162C>A, p.Ala9721Asp (NM_133432.3); c.29363C>A, p.Ala9788Asp (NM_133437.4); short protein forms A16093D, A17020D, A18661D, A9596D, A9721D, A9788D.
Identifiers: ClinVar variation 2501988 (VCV002501988.1), dbSNP rs370732855, ClinGen allele CA349536007.

ClinVar aggregate classification (germline): Uncertain significance (1 of 4 stars; one submission).

Submission:

GeneDx
Classification: Uncertain significance. Last evaluated: 2022-11-11. Review status: criteria provided, single submitter. Criteria: GeneDx Variant Classification Process June 2021. Collection method: clinical testing. Allele origin: germline. Affected: yes.
Comment: Not observed at significant frequency in large population cohorts (gnomAD); Missense variant in a gene in which most reported pathogenic variants are truncating/loss of function; Has not been previously published as pathogenic or benign to our knowledge